The following is an entry in ClinVar:

ClinVar aggregate classification (germline): Uncertain significance. Review status: criteria provided, multiple submitters, no conflicts (2 of 4 stars). 2 submissions from 2 submitters: Uncertain significance (2). Last evaluated 2025-02-24.

Conditions:
Inborn genetic diseases. Identifiers: MedGen C0950123, MeSH D030342.

Allele frequency attached by ClinVar (database versions not stated): gnomAD exomes below 0.00001; ExAC 0.00001; gnomAD 0.00001; 1000 Genomes Project 30x 0.00016; 1000 Genomes Project 0.00020.
gnomAD v4.1: 2 of 1,613,570 alleles (0.00012%); highest among the groups gnomAD compares: Non-Finnish European, 0.00017%; no homozygotes.

Submissions (2):

Labcorp Genetics (formerly Invitae), Labcorp
Classification: Uncertain significance. Last evaluated: 2025-02-24. Review status: criteria provided, single submitter. Criteria: Invitae Variant Classification Sherloc (09022015). Collection method: clinical testing. Allele origin: germline.
Comment: This sequence change replaces alanine, which is neutral and non-polar, with valine, which is neutral and non-polar, at codon 79 of the RAD51 protein (p.Ala79Val). This variant is present in population databases (rs146489542, gnomAD 0.0009%). This variant has not been reported in the literature in individuals affected with RAD51-related conditions. ClinVar contains an entry for this variant (Variation ID: 2129847). Invitae Evidence Modeling of protein sequence and biophysical properties (such as structural, functional, and spatial information, amino acid conservation, physicochemical variation, residue mobility, and thermodynamic stability) indicates that this missense variant is not expected to disrupt RAD51 protein function with a negative predictive value of 80%. In summary, the available evidence is currently insufficient to determine the role of this variant in disease. Therefore, it has been classified as a Variant of Uncertain Significance.

Ambry Genetics
Classification: Uncertain significance for Inborn genetic diseases. Last evaluated: 2024-07-05. Review status: criteria provided, single submitter. Criteria: Ambry Variant Classification Scheme 2023. Collection method: clinical testing. Allele origin: germline.
Comment: The p.A79V variant (also known as c.236C>T), located in coding exon 3 of the RAD51 gene, results from a C to T substitution at nucleotide position 236. The alanine at codon 79 is replaced by valine, an amino acid with similar properties. This amino acid position is conserved. In addition, the in silico prediction for this alteration is inconclusive. Based on the available evidence, the clinical significance of this variant remains unclear.

NM_002875.5(RAD51):c.236C>T (p.Ala79Val)

Gene: RAD51 (RAD51 recombinase; plus strand). Cytogenetic location: 15q15.1.
Variant type: single nucleotide variant.
Coding change: c.236C>T on transcript NM_002875.5 (MANE Select); coding-DNA position 236, C replaced by T.
Protein change: p.Ala79Val; replaces alanine 79 with valine.
Molecular consequence: missense variant. On other transcripts: intron variant (2).
Genome position (GRCh38, 1-based): chr15:40,706,187, C>T. VCF-style: chr15-40706187-C-T. GRCh37 (hg19) VCF-style: chr15-40998385-C-T.
Other names: c.236C>T, p.Ala79Val (NM_001164270.2); c.347-2838C>T (NM_133487.4, NM_001164269.2); c.236C>T (NM_002875.4); short protein forms A79V.
Identifiers: ClinVar variation 2129847 (VCV002129847.5), dbSNP rs146489542, ClinGen allele CA7483962.